The following is an entry in ClinVar:

ClinVar aggregate classification (germline): Conflicting classifications of pathogenicity. Review status: criteria provided, conflicting classifications (1 of 4 stars). 3 submissions from 3 submitters: Likely pathogenic (2); Uncertain significance (1). Last evaluated 2024-06-13.

Conditions:
SOS1-related disorder. Also called: SOS1-related condition.
RASopathy. Also called: rasopathies; Noonan spectrum disorder. Identifiers: Orphanet 536391, MedGen C5555857, MONDO:0021060.
Noonan syndrome (NS). Also called: Noonan's syndrome. Identifiers: Orphanet 648, MedGen C0028326, MeSH D009634, MONDO:0018997. Disease mechanism: gain of function.

Allele frequency attached by ClinVar (database versions not stated): gnomAD exomes below 0.00001.
gnomAD v4.1: 2 of 1,612,632 alleles (0.00012%); highest among the groups gnomAD compares: Non-Finnish European, 0.00017%; no homozygotes.

Submissions (3):

Blueprint Genetics
Classification: Likely pathogenic for SOS1-related disorders. Last evaluated: 2024-06-13. Review status: criteria provided, single submitter. Criteria: ACMG Guidelines, 2015. Collection method: clinical testing. Allele origin: germline. Affected: yes. Observed: 1 variant allele.

Labcorp Genetics (formerly Invitae), Labcorp
Classification: Uncertain significance for RASopathy. Last evaluated: 2024-05-23. Review status: criteria provided, single submitter. Criteria: Invitae Variant Classification Sherloc (09022015). Collection method: clinical testing. Allele origin: germline.
Comment: This sequence change replaces proline, which is neutral and non-polar, with arginine, which is basic and polar, at codon 112 of the SOS1 protein (p.Pro112Arg). This variant is not present in population databases (gnomAD no frequency). This missense change has been observed in individual(s) with clinical features of Noonan syndrome (PMID: 21387466). ClinVar contains an entry for this variant (Variation ID: 45361). Advanced modeling of protein sequence and biophysical properties (such as structural, functional, and spatial information, amino acid conservation, physicochemical variation, residue mobility, and thermodynamic stability) has been performed at Invitae for this missense variant, however the output from this modeling did not meet the statistical confidence thresholds required to predict the impact of this variant on SOS1 protein function. In summary, the available evidence is currently insufficient to determine the role of this variant in disease. Therefore, it has been classified as a Variant of Uncertain Significance.

Laboratory for Molecular Medicine, Mass General Brigham Personalized Medicine
Classification: Likely pathogenic for Noonan syndrome. Last evaluated: 2008-03-01. Review status: criteria provided, single submitter. Criteria: LMM Criteria. Collection method: clinical testing. Allele origin: germline. Observed: 1 variant allele.

Literature cited by the submitters: PubMed 21387466 (cited by Labcorp Genetics (formerly Invitae), Labcorp).

NM_005633.4(SOS1):c.335C>G (p.Pro112Arg)

Gene: SOS1 (SOS Ras/Rac guanine nucleotide exchange factor 1; minus strand). Cytogenetic location: 2p22.1.
Variant type: single nucleotide variant.
Coding change: c.335C>G on transcript NM_005633.4 (MANE Select); coding-DNA position 335, C replaced by G.
Protein change: p.Pro112Arg; replaces proline 112 with arginine.
Molecular consequence: missense variant.
Genome position (GRCh38, 1-based): chr2:39,058,683, G>C on the plus strand (C>G on the coding strand, the complement: SOS1 is on the minus strand). VCF-style: chr2-39058683-G-C. GRCh37 (hg19) VCF-style: chr2-39285824-G-C.
Other names: c.314C>G, p.Pro105Arg (NM_001382394.1); c.335C>G, p.Pro112Arg (NM_001382395.1); short protein forms P112R, P105R.
Identifiers: ClinVar variation 45361 (VCV000045361.8), dbSNP rs397517166, ClinGen allele CA261741.